The following is an entry in ClinVar:

NM_001298.3(CNGA3):c.271C>T (p.Gln91Ter)

Gene: CNGA3 (cyclic nucleotide gated channel subunit alpha 3; plus strand). Cytogenetic location: 2q11.2.
Variant type: single nucleotide variant.
Coding change: c.271C>T on transcript NM_001298.3 (MANE Select); coding-DNA position 271, C replaced by T.
Protein change: p.Gln91Ter; replaces glutamine 91 with a stop codon.
Molecular consequence: nonsense.
Genome position (GRCh38, 1-based): chr2:98,380,230, C>T. VCF-style: chr2-98380230-C-T. GRCh37 (hg19) VCF-style: chr2-98996693-C-T.
Other names: c.271C>T, p.Gln91Ter (NM_001079878.2); short protein forms Q91*.
Identifiers: ClinVar variation 1929274 (VCV001929274.7), dbSNP rs1354042829, ClinGen allele CA347831001.

ClinVar aggregate classification (germline): Pathogenic. Review status: criteria provided, multiple submitters, no conflicts (2 of 4 stars). 3 submissions from 3 submitters: Pathogenic (3). Last evaluated 2024-04-11.

Conditions:
Retinal dystrophy. Also called: Inherited retinal dystrophy. Identifiers: Orphanet 71862, MedGen C0854723, MeSH D058499, MONDO:0019118, HP:0000556.
Achromatopsia 2 (ACHM2). Also called: COLORBLINDNESS, TOTAL; ROD MONOCHROMACY 2; ROD MONOCHROMATISM 2. Identifiers: Orphanet 49382, MedGen C1857618, MONDO:0009003, OMIM 216900.

Allele frequency attached by ClinVar (database versions not stated): gnomAD exomes below 0.00001.

Submissions (3):

Institute of Medical Genetics and Applied Genomics, University Hospital Tübingen
Classification: Pathogenic for Achromatopsia 2. Last evaluated: 2024-04-11. Review status: criteria provided, single submitter. Criteria: ACMG Guidelines, 2015. Collection method: clinical testing. Allele origin: germline. Inheritance: Autosomal recessive inheritance. Affected: yes.

Labcorp Genetics (formerly Invitae), Labcorp
Classification: Pathogenic. Last evaluated: 2022-07-25. Review status: criteria provided, single submitter. Criteria: Invitae Variant Classification Sherloc (09022015). Collection method: clinical testing. Allele origin: germline.
Comment: This sequence change creates a premature translational stop signal (p.Gln91*) in the CNGA3 gene. It is expected to result in an absent or disrupted protein product. Loss-of-function variants in CNGA3 are known to be pathogenic (PMID: 14757870, 24903488, 25637600). This variant has not been reported in the literature in individuals affected with CNGA3-related conditions. This variant is present in population databases (no rsID available, gnomAD 0.004%). For these reasons, this variant has been classified as Pathogenic.

Institute of Human Genetics, Univ. Regensburg, Univ. Regensburg
Classification: Pathogenic for Retinal dystrophy. Last evaluated: 2015-01-01. Review status: criteria provided, single submitter. Criteria: ACMG Guidelines, 2015. Collection method: clinical testing. Allele origin: germline. Affected: yes.

Literature cited by the submitters: PubMed 14757870 (cited by Labcorp Genetics (formerly Invitae), Labcorp); PubMed 24903488 (cited by Labcorp Genetics (formerly Invitae), Labcorp); PubMed 25637600 (cited by Labcorp Genetics (formerly Invitae), Labcorp); PubMed 31980526 (cited by Institute of Human Genetics, Univ. Regensburg, Univ. Regensburg); PubMed 3196484 (cited by Institute of Human Genetics, Univ. Regensburg, Univ. Regensburg).